The following is an entry in ClinVar:

NM_177438.3(DICER1):c.2650+1G>T

Gene: DICER1 (dicer 1, ribonuclease III; minus strand). Cytogenetic location: 14q32.13.
Variant type: single nucleotide variant.
Coding change: c.2650+1G>T on transcript NM_177438.3 (MANE Select); the canonical splice donor site of the intron after coding-DNA position 2650, G replaced by T.
Molecular consequence: splice donor variant.
Genome position (GRCh38, 1-based): chr14:95,107,879, C>A on the plus strand (G>T on the coding strand, the complement: DICER1 is on the minus strand). VCF-style: chr14-95107879-C-A. GRCh37 (hg19) VCF-style: chr14-95574216-C-A.
Other names: 5' splice site, intron 16; NM_177438.2(DICER1):c.2650+1G>T; c.2650+1G>T (NM_001291628.2, NM_030621.4, NM_001395677.1 and 12 more transcripts); c.2245+1G>T (NM_001395690.1, NM_001395687.1, NM_001395689.1 and 2 more transcripts); c.2368+1G>T (NM_001395686.1); c.2083+1G>T (NM_001395691.1); c.967+1G>T (NM_001395697.1).
Identifiers: ClinVar variation 254310 (VCV000254310.7), dbSNP rs886037691, ClinGen allele CA10586440.
Genomic context (GRCh38, chr14:95,107,879, plus strand): 5'-ACCAAAGCTGTATGTTTGTATATGTGTCTAGAGTTATCAAAGTAAGAGATTTTTTTCTTA[C>A]CAACATTAAGAGGTAGAACACAGTATGCTGAATCAGCGTCTGTAGGTTTAAATTCTAGTG-3'

ClinVar aggregate classification (germline): Pathogenic. Review status: reviewed by expert panel (3 of 4 stars). 4 submissions from 4 submitters: Pathogenic (1). 3 of the submissions do not count toward it. Last evaluated 2022-05-18.

Conditions:
DICER1-related tumor predisposition. Also called: DICER1 syndrome; DICER1-related pleuropulmonary blastoma cancer predisposition syndrome. Identifiers: Orphanet 284343, MedGen C3839822, MONDO:0100216.

Submissions (4):

ClinGen DICER1 and miRNA-Processing Gene Variant Curation Expert Panel, ClinGen
Classification: Pathogenic for DICER1-related tumor predisposition. Last evaluated: 2022-05-18. Review status: reviewed by expert panel. Criteria: ClinGen DICER1 ACMG Specifications DICER1 v1. Collection method: curation. Allele origin: germline. Inheritance: Autosomal dominant inheritance.
Comment: The NM_177438.2:c.2650+1G>T variant in DICER1 occurs within the canonical splice donor (+/- 1) of intron 16 (PVS1). This variant received a total of 2 phenotype points across 2 unrelated probands meeting DICER1 VCEP phenotype specificity scoring criteria of 2-3.5 points (PMIDs: 26925222, 26925222, Internal lab contributors) (PS4_Moderate). This variant is absent from gnomAD v2.1.1 and v.3.1.1 (PM2_Supporting). In summary, this variant meets the criteria to be classified as Pathogenic for DICER1 syndrome based on the ACMG/AMP criteria applied, as specified by the ClinGen DICER1 VCEP: PVS1, PS4_Moderate, PM2_Supporting. (Bayesian Points: 11; VCEP specifications version 1; 02/11/2022)

Foulkes Cancer Genetics LDI, Lady Davis Institute for Medical Research
Classification: Pathogenic for Pleuropulmonary blastoma. Last evaluated: 2019-07-01. Review status: criteria provided, single submitter. Criteria: ACMG Guidelines, 2015. Collection method: curation. Allele origin: germline. Affected: yes. Observed: 2 variant alleles. Not counted in ClinVar's aggregate classification.
Comment: ACMG criteria met: PVS1, PM2, PP4

GeneDx
Classification: Pathogenic. Last evaluated: 2016-12-13. Review status: criteria provided, single submitter. Criteria: GeneDx Variant Classification (06012015). Collection method: clinical testing. Allele origin: germline. Affected: yes. Not counted in ClinVar's aggregate classification.
Comment: The c.2650+1G>T splice site variant in the DICER1 gene has previously been reported in at least one individual with pleuropulmonary blastoma (Brenneman et al., 2015). This variant destroys the canonical splice donor site in intron 16, and is expected to cause abnormal gene splicing. In addition, this variant was not observed in approximately 6,500 individuals of European and African American ancestry in the NHLBI Exome Sequencing Project, indicating it is not a common benign variant in these populations. Based on the currently available data, we consider c.2650+1G>T to be pathogenic.

International Pleuropulmonary Blastoma Registry, Children's Hospitals and Clinics of Minnesota
Classification: Pathogenic for Pleuropulmonary blastoma. Last evaluated: 2014-11-10. Review status: criteria provided, single submitter. Criteria: Hill et al. (Science. 2009). Collection method: clinical testing. Allele origin: germline. Affected: yes. Study: PPB-DICER1 Genetic study. Not counted in ClinVar's aggregate classification.

Literature cited by the submitters: PubMed 26925222 (cited by Foulkes Cancer Genetics LDI, Lady Davis Institute for Medical Research and International Pleuropulmonary Blastoma Registry, Children's Hospitals and Clinics of Minnesota); PubMed 28323992 (cited by Foulkes Cancer Genetics LDI, Lady Davis Institute for Medical Research).